The following is an entry in ClinVar:

ClinVar aggregate classification (germline): Uncertain significance (1 of 4 stars; one submission).

Submission:

Women's Health and Genetics/Laboratory Corporation of America, LabCorp
Classification: Uncertain significance. Last evaluated: 2024-07-03. Review status: criteria provided, single submitter. Criteria: LabCorp Variant Classification Summary - May 2015. Collection method: clinical testing. Allele origin: germline.
Comment: Variant summary: GJB2 c.219C>A (p.His73Gln) results in a non-conservative amino acid change located in the Connexin, N-terminal domain (IPR013092) of the encoded protein sequence. Four of five in-silico tools predict a damaging effect of the variant on protein function. The variant was absent in 251408 control chromosomes. The available data on variant occurrences in the general population are insufficient to allow any conclusion about variant significance. To our knowledge, no occurrence of c.219C>A in individuals affected with Non-Syndromic Hearing Loss and no experimental evidence demonstrating its impact on protein function have been reported. No submitters have cited clinical-significance assessments for this variant to ClinVar. Based on the evidence outlined above, the variant was classified as uncertain significance.

NM_004004.6(GJB2):c.219C>A (p.His73Gln)

Gene: GJB2 (gap junction protein beta 2; minus strand). Cytogenetic location: 13q12.11.
Variant type: single nucleotide variant.
Coding change: c.219C>A on transcript NM_004004.6 (MANE Select); coding-DNA position 219, C replaced by A.
Protein change: p.His73Gln; replaces histidine 73 with glutamine.
Molecular consequence: missense variant.
Genome position (GRCh38, 1-based): chr13:20,189,363, G>T on the plus strand (C>A on the coding strand, the complement: GJB2 is on the minus strand). VCF-style: chr13-20189363-G-T. GRCh37 (hg19) VCF-style: chr13-20763502-G-T.
Other names: short protein forms H73Q.
Identifiers: ClinVar variation 3339152 (VCV003339152.1).